The following is an entry in ClinVar:

NM_005431.2(XRCC2):c.59G>A (p.Gly20Asp)

Gene: XRCC2 (X-ray repair cross complementing 2; minus strand). Cytogenetic location: 7q36.1.
Variant type: single nucleotide variant.
Coding change: c.59G>A on transcript NM_005431.2 (MANE Select); coding-DNA position 59, G replaced by A.
Protein change: p.Gly20Asp; replaces glycine 20 with aspartic acid.
Molecular consequence: missense variant.
Genome position (GRCh38, 1-based): chr7:152,660,763, C>T on the plus strand (G>A on the coding strand, the complement: XRCC2 is on the minus strand). VCF-style: chr7-152660763-C-T. GRCh37 (hg19) VCF-style: chr7-152357848-C-T.
Other names: short protein forms G20D.
Identifiers: ClinVar variation 946846 (VCV000946846.14), dbSNP rs1369229971, ClinGen allele CA370199527.

ClinVar aggregate classification (germline): Uncertain significance. Review status: criteria provided, multiple submitters, no conflicts (2 of 4 stars). 3 submissions from 3 submitters: Uncertain significance (3). Last evaluated 2024-10-19.

Conditions:
XRCC2-related disorder. Also called: XRCC2-related condition.
Hereditary cancer-predisposing syndrome. Also called: Hereditary neoplastic syndrome; Neoplastic Syndromes, Hereditary; Tumor predisposition; Hereditary Cancer Syndrome. Identifiers: Orphanet 140162, MedGen C0027672, MeSH D009386, MONDO:0015356.

Allele frequency attached by ClinVar (database versions not stated): gnomAD exomes below 0.00001; TOPMed 0.00001; gnomAD 0.00002.
gnomAD v4.1: 9 of 1,613,146 alleles (0.00056%); highest among the groups gnomAD compares: African/African-American, 0.0027%; no homozygotes.

Submissions (3):

Ambry Genetics
Classification: Uncertain significance for Hereditary cancer-predisposing syndrome. Last evaluated: 2024-10-19. Review status: criteria provided, single submitter. Criteria: Ambry Variant Classification Scheme 2023. Collection method: clinical testing. Allele origin: germline.
Comment: The p.G20D variant (also known as c.59G>A), located in coding exon 2 of the XRCC2 gene, results from a G to A substitution at nucleotide position 59. The glycine at codon 20 is replaced by aspartic acid, an amino acid with similar properties. This amino acid position is highly conserved in available vertebrate species. In addition, the in silico prediction for this alteration is inconclusive. Since supporting evidence is limited at this time, the clinical significance of this alteration remains unclear.

Labcorp Genetics (formerly Invitae), Labcorp
Classification: Uncertain significance. Last evaluated: 2024-01-18. Review status: criteria provided, single submitter. Criteria: Invitae Variant Classification Sherloc (09022015). Collection method: clinical testing. Allele origin: germline.
Comment: This sequence change replaces glycine, which is neutral and non-polar, with aspartic acid, which is acidic and polar, at codon 20 of the XRCC2 protein (p.Gly20Asp). This variant is present in population databases (no rsID available, gnomAD 0.0009%). This variant has not been reported in the literature in individuals affected with XRCC2-related conditions. ClinVar contains an entry for this variant (Variation ID: 946846). Advanced modeling of protein sequence and biophysical properties (such as structural, functional, and spatial information, amino acid conservation, physicochemical variation, residue mobility, and thermodynamic stability) has been performed at Invitae for this missense variant, however the output from this modeling did not meet the statistical confidence thresholds required to predict the impact of this variant on XRCC2 protein function. In summary, the available evidence is currently insufficient to determine the role of this variant in disease. Therefore, it has been classified as a Variant of Uncertain Significance.

PreventionGenetics, part of Exact Sciences
Classification: Uncertain significance for XRCC2-related condition. Last evaluated: 2023-02-01. Review status: criteria provided, single submitter. Criteria: ACMG Guidelines, 2015. Collection method: clinical testing. Allele origin: germline.
Comment: The XRCC2 c.59G>A variant is predicted to result in the amino acid substitution p.Gly20Asp. To our knowledge, this variant has not been reported in the literature. This variant is reported in 0.00088% of alleles in individuals of European (Non-Finnish) descent in gnomAD and is interpreted as uncertain significance in ClinVar. At this time, the clinical significance of this variant is uncertain due to the absence of conclusive functional and genetic evidence.